The following is an entry in ClinVar:

NM_016194.4(GNB5):c.1152T>A (p.Ser384=)

Gene: GNB5 (G protein subunit beta 5; minus strand). Cytogenetic location: 15q21.2.
Variant type: single nucleotide variant.
Coding change: c.1152T>A on transcript NM_016194.4 (MANE Select); coding-DNA position 1152, T replaced by A.
Protein change: p.Ser384=; no amino-acid change (serine 384 retained).
Molecular consequence: synonymous variant.
Genome position (GRCh38, 1-based): chr15:52,124,497, A>T on the plus strand (T>A on the coding strand, the complement: GNB5 is on the minus strand). VCF-style: chr15-52124497-A-T. GRCh37 (hg19) VCF-style: chr15-52416694-A-T.
Other names: c.870T>A, p.Ser290= (NM_001379343.1); c.1026T>A, p.Ser342= (NM_006578.4).
Identifiers: ClinVar variation 2645350 (VCV002645350.24), dbSNP rs2542962802, ClinGen allele CA490411922.

ClinVar aggregate classification (germline): Likely benign (1 of 4 stars; one submission).

Submission:

CeGaT Center for Human Genetics Tuebingen
Classification: Likely benign. Last evaluated: 2023-02-01. Review status: criteria provided, single submitter. Criteria: CeGaT Center For Human Genetics Tuebingen Variant Classification Criteria Version 2. Collection method: clinical testing. Allele origin: germline. Affected: yes. Observed: 1 variant allele.
Comment: GNB5: PM2:Supporting, BP4, BP7